The following is an entry in ClinVar:

NM_000098.3(CPT2):c.215T>A (p.Leu72Ter)

Gene: CPT2 (carnitine palmitoyltransferase 2; plus strand). Cytogenetic location: 1p32.3.
Variant type: single nucleotide variant.
Coding change: c.215T>A on transcript NM_000098.3 (MANE Select); coding-DNA position 215, T replaced by A.
Protein change: p.Leu72Ter; replaces leucine 72 with a stop codon.
Molecular consequence: nonsense.
Genome position (GRCh38, 1-based): chr1:53,200,781, T>A. VCF-style: chr1-53200781-T-A. GRCh37 (hg19) VCF-style: chr1-53666453-T-A.
Other names: c.215T>A, p.Leu72Ter (NM_001330589.2); short protein forms L72*.
Identifiers: ClinVar variation 2760093 (VCV002760093.3), dbSNP rs1185037584, ClinGen allele CA340389237.

ClinVar aggregate classification (germline): Pathogenic (1 of 4 stars; one submission).

Conditions:
Carnitine palmitoyltransferase II deficiency. Also called: Carnitine Palmitoyltransferase 2 Deficiency. Identifiers: Orphanet 157, MedGen C0342790, MONDO:0015515.

Submission:

Labcorp Genetics (formerly Invitae), Labcorp
Classification: Pathogenic for Carnitine palmitoyltransferase II deficiency. Last evaluated: 2023-09-11. Review status: criteria provided, single submitter. Criteria: Invitae Variant Classification Sherloc (09022015). Collection method: clinical testing. Allele origin: germline.
Comment: For these reasons, this variant has been classified as Pathogenic. This variant has not been reported in the literature in individuals affected with CPT2-related conditions. This variant is not present in population databases (gnomAD no frequency). This sequence change creates a premature translational stop signal (p.Leu72*) in the CPT2 gene. It is expected to result in an absent or disrupted protein product. Loss-of-function variants in CPT2 are known to be pathogenic (PMID: 16781677, 16996287).

Literature cited by the submitters: PubMed 16781677; PubMed 16996287.